The following is an entry in ClinVar:

NC_000002.11:g.(?_227945159)_(228012196_?)dup

Gene: COL4A4 (collagen type IV alpha 4 chain; minus strand). Cytogenetic location: 2q36.3.
Variant type: Duplication.
Identifiers: ClinVar variation 1408983 (VCV001408983.6).

ClinVar aggregate classification (germline): Uncertain significance (1 of 4 stars; one submission).

Submission:

Labcorp Genetics (formerly Invitae), Labcorp
Classification: Uncertain significance. Last evaluated: 2021-04-24. Review status: criteria provided, single submitter. Criteria: Invitae Variant Classification Sherloc (09022015). Collection method: clinical testing. Allele origin: germline.
Comment: This variant is a complex rearrangement that results in a copy number gain of exons 3-24 and part of exon 2 of the COL4A4 gene. There is also some indication that the sequence may be inverted, but the exact nature of this event is unknown. This variant has not been reported in the literature in individuals with COL4A4-related conditions. In summary, the available evidence is currently insufficient to determine the role of this variant in disease. Therefore, it has been classified as a Variant of Uncertain Significance.